The following is an entry in ClinVar:

ClinVar aggregate classification (germline): Benign/Likely benign. Review status: criteria provided, multiple submitters, no conflicts (2 of 4 stars). 2 submissions from 2 submitters: Benign (1); Likely benign (1). Last evaluated 2024-07-10.

Conditions:
Hereditary cancer-predisposing syndrome. Also called: Neoplastic Syndromes, Hereditary; Hereditary Cancer Syndrome; Hereditary neoplastic syndrome; Tumor predisposition. Identifiers: Orphanet 140162, MedGen C0027672, MeSH D009386, MONDO:0015356.
Oligodontia-cancer predisposition syndrome. Also called: TOOTH AGENESIS-COLORECTAL CANCER SYNDROME. Identifiers: Orphanet 300576, MedGen C1837750, MONDO:0012075, OMIM 608615. Disease mechanism: loss of function.

Allele frequency attached by ClinVar (database versions not stated): gnomAD exomes below 0.00001; gnomAD 0.00001.
gnomAD v4.1: 2 of 1,614,142 alleles (0.00012%); highest among the groups gnomAD compares: South Asian, 0.0011%; no homozygotes.

Submissions (2):

Myriad Genetics, Inc.
Classification: Benign for Oligodontia-cancer predisposition syndrome. Last evaluated: 2024-07-10. Review status: criteria provided, single submitter. Criteria: Myriad Autosomal Dominant, Autosomal Recessive and X-Linked Classification Criteria (2023). Collection method: clinical testing. Allele origin: unknown.
Comment: This variant is considered benign. This variant is a silent/synonymous amino acid change and it is not expected to impact splicing.

Ambry Genetics
Classification: Likely benign for Hereditary cancer-predisposing syndrome. Last evaluated: 2023-03-22. Review status: criteria provided, single submitter. Criteria: Ambry Variant Classification Scheme 2023. Collection method: clinical testing. Allele origin: germline.

NM_004655.4(AXIN2):c.2257C>T (p.Leu753=)

Gene: AXIN2 (axin 2; minus strand). Cytogenetic location: 17q24.1.
Variant type: single nucleotide variant.
Coding change: c.2257C>T on transcript NM_004655.4 (MANE Select); coding-DNA position 2257, C replaced by T.
Protein change: p.Leu753=; no amino-acid change (leucine 753 retained).
Molecular consequence: synonymous variant.
Genome position (GRCh38, 1-based): chr17:65,534,060, G>A on the plus strand (C>T on the coding strand, the complement: AXIN2 is on the minus strand). VCF-style: chr17-65534060-G-A. GRCh37 (hg19) VCF-style: chr17-63530178-G-A.
Other names: c.2062C>T, p.Leu688= (NM_001363813.1).
Identifiers: ClinVar variation 2566101 (VCV002566101.3), dbSNP rs1322898933, ClinGen allele CA501476010.